The following is an entry in ClinVar:

NM_001267727.2(ARSG):c.1025G>A (p.Arg342Gln)

Gene: ARSG (arylsulfatase G; plus strand). Cytogenetic location: 17q24.2.
Variant type: single nucleotide variant.
Coding change: c.1025G>A on transcript NM_001267727.2 (MANE Select); coding-DNA position 1025, G replaced by A.
Protein change: p.Arg342Gln; replaces arginine 342 with glutamine.
Molecular consequence: missense variant.
Genome position (GRCh38, 1-based): chr17:68,385,106, G>A. VCF-style: chr17-68385106-G-A. GRCh37 (hg19) VCF-style: chr17-66381247-G-A.
Other names: c.1025G>A, p.Arg342Gln (NM_001352899.2, NM_001352900.2, NM_001352901.2 and 3 more transcripts); c.1022G>A, p.Arg341Gln (NM_001352903.2, NM_001352904.2, NM_001352905.2 and 2 more transcripts); c.977G>A, p.Arg326Gln (NM_001352909.2); c.1025G>A (NM_014960.3); short protein forms R326Q, R341Q, R342Q.
Identifiers: ClinVar variation 1052147 (VCV001052147.9), dbSNP rs201539354, ClinGen allele CA8728450.

ClinVar aggregate classification (germline): Uncertain significance. Review status: criteria provided, multiple submitters, no conflicts (2 of 4 stars). 3 submissions from 3 submitters: Uncertain significance (3). Last evaluated 2024-11-09.

Allele frequency attached by ClinVar (database versions not stated): TOPMed 0.00001; ExAC 0.00002; gnomAD exomes 0.00003; 1000 Genomes Project 30x 0.00016; 1000 Genomes Project 0.00020.
gnomAD v4.1: 19 of 1,614,036 alleles (0.0012%); highest among the groups gnomAD compares: East Asian, 0.0045%; no homozygotes.

Submissions (3):

Ambry Genetics
Classification: Uncertain significance. Last evaluated: 2024-11-09. Review status: criteria provided, single submitter. Criteria: Ambry Variant Classification Scheme 2023. Collection method: clinical testing. Allele origin: germline.

Blueprint Genetics
Classification: Uncertain significance. Last evaluated: 2022-08-09. Review status: criteria provided, single submitter. Criteria: ACMG Guidelines, 2015. Collection method: clinical testing. Allele origin: germline.

Labcorp Genetics (formerly Invitae), Labcorp
Classification: Uncertain significance. Last evaluated: 2022-03-11. Review status: criteria provided, single submitter. Criteria: Invitae Variant Classification Sherloc (09022015). Collection method: clinical testing. Allele origin: germline.
Comment: This sequence change replaces arginine, which is basic and polar, with glutamine, which is neutral and polar, at codon 342 of the ARSG protein (p.Arg342Gln). In summary, the available evidence is currently insufficient to determine the role of this variant in disease. Therefore, it has been classified as a Variant of Uncertain Significance. Algorithms developed to predict the effect of missense changes on protein structure and function (SIFT, PolyPhen-2, Align-GVGD) all suggest that this variant is likely to be disruptive. ClinVar contains an entry for this variant (Variation ID: 1052147). This variant has not been reported in the literature in individuals affected with ARSG-related conditions. This variant is present in population databases (rs201539354, gnomAD 0.01%).